The following is an entry in ClinVar:

NC_000001.10:g.(?_17371256)_(17371383_?)dup

Gene: SDHB (succinate dehydrogenase complex iron sulfur subunit B; minus strand). Cytogenetic location: 1p36.13.
Variant type: Duplication.
Identifiers: ClinVar variation 2424597 (VCV002424597.11).

ClinVar aggregate classification (germline): Likely pathogenic (1 of 4 stars; one submission).

Conditions:
Pheochromocytoma. Also called: MAX-Related Hereditary Paraganglioma-Pheochromocytoma Syndrome. Identifiers: Orphanet 29072, MedGen C0031511, MONDO:0008233, OMIM 171300, HP:0002666.
Gastrointestinal stromal tumor. Also called: Gastrointestinal stroma tumor; Gastrointestinal stromal tumor, somatic. Identifiers: Orphanet 44890, MedGen C0238198, MeSH D046152, MONDO:0011719, OMIM 606764, HP:0100723.
Pheochromocytoma/paraganglioma syndrome 4. Also called: CAROTID BODY TUMORS AND MULTIPLE EXTRAADRENAL PHEOCHROMOCYTOMAS; PARAGANGLIOMA, FAMILIAL MALIGNANT; PARAGANGLIOMAS, HEREDITARY EXTRAADRENAL; PHEOCHROMOCYTOMA, FAMILIAL EXTRAADRENAL; Paragangliomas 4; SDHB-Related Hereditary Paraganglioma-Pheochromocytoma Syndrome (Paragangliomas 4). Identifiers: Orphanet 29072, MedGen C1861848, MONDO:0007273, OMIM 115310.

Submission:

Labcorp Genetics (formerly Invitae), Labcorp
Classification: Likely pathogenic for Gastrointestinal stromal tumor; Pheochromocytoma/paraganglioma syndrome 4; Pheochromocytoma. Last evaluated: 2022-04-11. Review status: criteria provided, single submitter. Criteria: Invitae Variant Classification Sherloc (09022015). Collection method: clinical testing. Allele origin: germline.
Comment: This variant results in a copy number gain of the genomic region encompassing exon(s) 2 of the SDHB gene. While the exact position of this variant cannot be determined from the data, sub-genic copy number gains are generally in tandem (PMID: 25640679). This variant is predicted to be out-of-frame, and may result in an absent or disrupted protein product. Loss-of-function variants in SDHB are known to be pathogenic (PMID: 19454582, 19802898). This variant has not been reported in the literature in individuals affected with SDHB-related conditions. Experimental studies and prediction algorithms are not available or were not evaluated, and the functional significance of this variant is currently unknown. In summary, the currently available evidence indicates that the variant is pathogenic, but additional data are needed to prove that conclusively. Therefore, this variant has been classified as Likely Pathogenic.

Literature cited by the submitters: PubMed 25640679; PubMed 19454582; PubMed 19802898.